The following is an entry in ClinVar:

NM_000222.3(KIT):c.203T>C (p.Phe68Ser)

Gene: KIT (KIT proto-oncogene, receptor tyrosine kinase; plus strand). Cytogenetic location: 4q12.
Variant type: single nucleotide variant.
Coding change: c.203T>C on transcript NM_000222.3 (MANE Select); coding-DNA position 203, T replaced by C.
Protein change: p.Phe68Ser; replaces phenylalanine 68 with serine.
Molecular consequence: missense variant.
Genome position (GRCh38, 1-based): chr4:54,695,647, T>C. VCF-style: chr4-54695647-T-C. GRCh37 (hg19) VCF-style: chr4-55561813-T-C.
Other names: c.203T>C, p.Phe68Ser (NM_001093772.2, NM_001385284.1, NM_001385285.1 and 4 more transcripts); short protein forms F68S.
Identifiers: ClinVar variation 1062799 (VCV001062799.7), dbSNP rs2109661613, ClinGen allele CA356897051.

ClinVar aggregate classification (germline): Uncertain significance (1 of 4 stars; one submission).

Conditions:
Gastrointestinal stromal tumor. Also called: Gastrointestinal stromal tumor, somatic; Gastrointestinal stroma tumor. Identifiers: Orphanet 44890, MedGen C0238198, MeSH D046152, MONDO:0011719, OMIM 606764, HP:0100723.

Submission:

Labcorp Genetics (formerly Invitae), Labcorp
Classification: Uncertain significance for Gastrointestinal stromal tumor. Last evaluated: 2021-12-08. Review status: criteria provided, single submitter. Criteria: Invitae Variant Classification Sherloc (09022015). Collection method: clinical testing. Allele origin: germline.
Comment: This sequence change replaces phenylalanine, which is neutral and non-polar, with serine, which is neutral and polar, at codon 68 of the KIT protein (p.Phe68Ser). This variant is not present in population databases (gnomAD no frequency). This variant has not been reported in the literature in individuals affected with KIT-related conditions. ClinVar contains an entry for this variant (Variation ID: 1062799). Algorithms developed to predict the effect of missense changes on protein structure and function are either unavailable or do not agree on the potential impact of this missense change (SIFT: "Deleterious"; PolyPhen-2: "Probably Damaging"; Align-GVGD: "Class C15"). In summary, the available evidence is currently insufficient to determine the role of this variant in disease. Therefore, it has been classified as a Variant of Uncertain Significance.